The following is an entry in ClinVar:

NC_012920.1(MT-CYB):m.15690T>C

Gene: MT-CYB (mitochondrially encoded cytochrome b; plus strand).
Variant type: single nucleotide variant.
Genome position: chrM-15690-T-C.
Identifiers: ClinVar variation 693933 (VCV000693933.1), dbSNP rs1603225423, ClinGen allele CA913174569.

ClinVar aggregate classification (germline): Uncertain significance (1 of 4 stars; one submission).

Conditions:
Leigh syndrome (NULS). Also called: Leigh's necrotizing encephalopathy; Leigh's disease; Leigh's syndrome; LEIGH SYNDROME, NUCLEAR; Leigh Syndrome (mtDNA deletion); Leigh Disease. Identifiers: Orphanet 506, MedGen C2931891, MONDO:0009723, OMIM 256000.

Submission:

Wong Mito Lab, Molecular and Human Genetics, Baylor College of Medicine
Classification: Uncertain significance for Leigh syndrome. Last evaluated: 2019-10-17. Review status: criteria provided, single submitter. Criteria: Modified ACMG Guidelines (Unpublished). Collection method: clinical testing. Allele origin: germline.
Comment: The NC_012920.1:m.15690T>C (YP_003024038.1:p.Met315Thr) variant in MTCYB gene is interpretated to be a Uncertain Significance variant based on the modified ACMG guidelines (unpublished). This variant meets the following evidence codes: no criteria